The following is an entry in ClinVar:

NM_001136193.2(FASTKD2):c.-159G>T

Genes: FASTKD2 (FAST kinase domains 2; plus strand), LOC129935479 (ATAC-STARR-seq lymphoblastoid active region 17028; plus strand). Cytogenetic location: 2q33.3.
Variant type: single nucleotide variant.
Coding change: c.-159G>T on transcript NM_001136193.2 (MANE Select); 159 bases upstream of the start codon, G replaced by T.
Molecular consequence: 5 prime UTR variant.
Genome position (GRCh38, 1-based): chr2:206,765,639, G>T. VCF-style: chr2-206765639-G-T. GRCh37 (hg19) VCF-style: chr2-207630363-G-T.
Other names: c.-174G>T (NM_001136194.2); c.-66G>T (NM_014929.4).
Identifiers: ClinVar variation 509670 (VCV000509670.1), dbSNP rs576495313, ClinGen allele CA63708269.

ClinVar aggregate classification (germline): Likely benign (1 of 4 stars; one submission).

Allele frequency attached by ClinVar (database versions not stated): gnomAD exomes 0.00002; gnomAD 0.00037 and 0.00039; 1000 Genomes Project 0.00040; 1000 Genomes Project 30x 0.00047; TOPMed 0.00054.
gnomAD v4.1: 69 of 645,834 alleles (0.011%); highest among the groups gnomAD compares: African/African-American, 0.1%; no homozygotes.

Submission:

GeneDx
Classification: Likely benign. Last evaluated: 2017-05-23. Review status: criteria provided, single submitter. Criteria: GeneDx Variant Classification (06012015). Collection method: clinical testing. Allele origin: germline. Affected: yes.
Comment: This variant is considered likely benign or benign based on one or more of the following criteria: it is a conservative change, it occurs at a poorly conserved position in the protein, it is predicted to be benign by multiple in silico algorithms, and/or has population frequency not consistent with disease.